The following is an entry in ClinVar:

NM_013336.4(SEC61A1):c.645A>G (p.Ala215=)

Genes: RUVBL1 (RuvB like AAA ATPase 1; minus strand), SEC61A1 (SEC61 translocon subunit alpha 1; plus strand). Cytogenetic location: 3q21.3.
Variant type: single nucleotide variant.
Coding change: c.645A>G on transcript NM_013336.4 (MANE Select); coding-DNA position 645, A replaced by G.
Protein change: p.Ala215=; no amino-acid change (alanine 215 retained).
Molecular consequence: synonymous variant. On other transcripts: 3 prime UTR variant (1).
Genome position (GRCh38, 1-based): chr3:128,064,905, A>G. VCF-style: chr3-128064905-A-G. GRCh37 (hg19) VCF-style: chr3-127783748-A-G.
Other names: p.Ala215=; c.663A>G, p.Ala221= (NM_001400328.1); c.486A>G, p.Ala162= (NM_001400329.1); c.*307T>C (NM_001319086.1).
Identifiers: ClinVar variation 4684714 (VCV004684714.1).
Genomic context (GRCh38, chr3:128,064,905, plus strand): 5'-TCCTTCATATATGTCTCCTCCTCTGCCAACAGGAATGGAATTTGAAGGTGCTATCATCGC[A>G]CTTTTCCATCTGCTGGCCACACGCACAGACAAGGTCCGAGCCCTTCGGGAGGCGTTCTAC-3'
Protein context (NP_037468.1, residues 205-225): RGMEFEGAII[Ala215=]LFHLLATRTD

ClinVar aggregate classification (germline): Likely benign (1 of 4 stars; one submission).

Submission:

Mayo Clinic Laboratories, Mayo Clinic
Classification: Likely benign. Last evaluated: 2025-04-21. Review status: criteria provided, single submitter. Criteria: ACMG Guidelines, 2015. Collection method: clinical testing. Allele origin: germline. Observed: 1 variant allele.
Comment: BP4, BP7, PM2_supporting